The following is an entry in ClinVar:

ClinVar aggregate classification (germline): Likely pathogenic (1 of 4 stars; one submission).

Submission:

GeneDx
Classification: Likely pathogenic. Last evaluated: 2026-10-16. Review status: criteria provided, single submitter. Criteria: GeneDx Variant Classification Process June 2021. Collection method: clinical testing. Allele origin: germline.
Comment: Occurs in the triple helical domain and replaces the glycine in the canonical Gly-X-Y repeat; missense substitution of a canonical glycine residue is expected to disrupt normal protein folding and function, and this is an established mechanism of disease (HGMD); Not observed at significant frequency in large population cohorts (gnomAD); In silico analysis supports that this missense variant has a deleterious effect on protein structure/function; Has not been previously published as pathogenic or benign to our knowledge

NM_000090.4(COL3A1):c.3499G>A (p.Gly1167Ser)

Gene: COL3A1 (collagen type III alpha 1 chain; plus strand). Cytogenetic location: 2q32.2.
Variant type: single nucleotide variant.
Coding change: c.3499G>A on transcript NM_000090.4 (MANE Select); coding-DNA position 3499, G replaced by A.
Protein change: p.Gly1167Ser; replaces glycine 1167 with serine.
Molecular consequence: missense variant.
Genome position (GRCh38, 1-based): chr2:189,008,116, G>A. VCF-style: chr2-189008116-G-A. GRCh37 (hg19) VCF-style: chr2-189872842-G-A.
Other names: short protein forms G1167S.
Identifiers: ClinVar variation 419652 (VCV000419652.3), dbSNP rs587779609, ClinGen allele CA16617395.